The following is an entry in ClinVar:

NM_001999.4(FBN2):c.5283G>T (p.Met1761Ile)

Gene: FBN2 (fibrillin 2; minus strand). Cytogenetic location: 5q23.3.
Variant type: single nucleotide variant.
Coding change: c.5283G>T on transcript NM_001999.4 (MANE Select); coding-DNA position 5283, G replaced by T.
Protein change: p.Met1761Ile; replaces methionine 1761 with isoleucine.
Molecular consequence: missense variant.
Genome position (GRCh38, 1-based): chr5:128,309,317, C>A on the plus strand (G>T on the coding strand, the complement: FBN2 is on the minus strand). VCF-style: chr5-128309317-C-A. GRCh37 (hg19) VCF-style: chr5-127645009-C-A.
Other names: short protein forms M1761I.
Identifiers: ClinVar variation 1313667 (VCV001313667.5), dbSNP rs2126842957, ClinGen allele CA360743872.

ClinVar aggregate classification (germline): Uncertain significance. Review status: criteria provided, multiple submitters, no conflicts (2 of 4 stars). 2 submissions from 2 submitters: Uncertain significance (2). Last evaluated 2023-01-12.

Conditions:
Congenital contractural arachnodactyly (CCA). Also called: Arthrogryposis, distal, type 9; BEALS SYNDROME; Beals-Hecht syndrome. Identifiers: Orphanet 115, MedGen C0220668, MONDO:0007363, OMIM 121050.

Allele frequency attached by ClinVar (database versions not stated): gnomAD exomes below 0.00001.

Submissions (2):

Labcorp Genetics (formerly Invitae), Labcorp
Classification: Uncertain significance for Congenital contractural arachnodactyly. Last evaluated: 2023-01-12. Review status: criteria provided, single submitter. Criteria: Invitae Variant Classification Sherloc (09022015). Collection method: clinical testing. Allele origin: germline.
Comment: In summary, the available evidence is currently insufficient to determine the role of this variant in disease. Therefore, it has been classified as a Variant of Uncertain Significance. Advanced modeling of protein sequence and biophysical properties (such as structural, functional, and spatial information, amino acid conservation, physicochemical variation, residue mobility, and thermodynamic stability) performed at Invitae indicates that this missense variant is not expected to disrupt FBN2 protein function. ClinVar contains an entry for this variant (Variation ID: 1313667). This variant has not been reported in the literature in individuals affected with FBN2-related conditions. This variant is not present in population databases (gnomAD no frequency). This sequence change replaces methionine, which is neutral and non-polar, with isoleucine, which is neutral and non-polar, at codon 1761 of the FBN2 protein (p.Met1761Ile).

GeneDx
Classification: Uncertain significance. Last evaluated: 2020-11-12. Review status: criteria provided, single submitter. Criteria: GeneDx Variant Classification Process June 2021. Collection method: clinical testing. Allele origin: germline. Affected: yes.
Comment: Has not been previously published as pathogenic or benign to our knowledge; Not observed in large population cohorts (Lek et al., 2016); In silico analysis supports that this missense variant does not alter protein structure/function; Does not affect a cysteine residue within a calcium-binding EGF-like domain of the FBN2 gene; cysteine substitutions in the calcium-binding EGF-like domains represent the majority of pathogenic missense changes associated with FBN2-related disorders (Collod-Beroud et al., 2003; Frederic et al., 2009).